The following is an entry in ClinVar:

NM_001044.5(SLC6A3):c.285C>T (p.Gly95=)

Gene: SLC6A3 (solute carrier family 6 member 3). Cytogenetic location: 5p15.33.
Variant type: single nucleotide variant.
Coding change: c.285C>T on transcript NM_001044.5 (MANE Select); coding-DNA position 285, C replaced by T.
Protein change: p.Gly95=; no amino-acid change (glycine 95 retained).
Molecular consequence: synonymous variant.
Genome position (GRCh38, 1-based): chr5:1,442,913, G>A on the plus strand (C>T on the coding strand, the complement: SLC6A3 is on the minus strand). VCF-style: chr5-1442913-G-A. GRCh37 (hg19) VCF-style: chr5-1443028-G-A.
Identifiers: ClinVar variation 643877 (VCV000643877.11), dbSNP rs201707183, ClinGen allele CA3186449.
Genomic context (GRCh38, chr5:1,442,913, plus strand): 5'-GGCTGCCCCTACGACCCCCGCCCGGCCAGCATGCTCAGGGAGGCTGAGATGGGACTTACC[G>A]CCACCATTTTTGTAGCACAGGTAGGGGAACCGCCAGACGTTGGCCAGGTCCACAGCAAAG-3'
Protein context (NP_001035.1, residues 85-105): RFPYLCYKNG[Gly95=]GAFLVPYLLF

ClinVar aggregate classification (germline): Likely benign. Review status: criteria provided, multiple submitters, no conflicts (2 of 4 stars). 2 submissions from 2 submitters: Likely benign (2). Last evaluated 2025-05-14.

Conditions:
Parkinsonism-dystonia, infantile. Identifiers: Orphanet 238455, MedGen C2751067, MONDO:0013150.
SLC6A3-related disorder. Also called: SLC6A3-related condition.

Allele frequency attached by ClinVar (database versions not stated): gnomAD 0.00001; ExAC 0.00002; TOPMed 0.00003; gnomAD exomes 0.00007.
gnomAD v4.1: 67 of 1,613,982 alleles (0.0042%); highest among the groups gnomAD compares: East Asian, 0.033%; no homozygotes.

Submissions (2):

PreventionGenetics, part of Exact Sciences
Classification: Likely benign for SLC6A3-related condition. Last evaluated: 2025-05-14. Review status: criteria provided, single submitter. Criteria: ACMG Guidelines, 2015. Collection method: clinical testing. Allele origin: germline.
Comment: This variant is classified as likely benign based on ACMG/AMP sequence variant interpretation guidelines (Richards et al. 2015 PMID: 25741868, with internal and published modifications).

Labcorp Genetics (formerly Invitae), Labcorp
Classification: Likely benign for Parkinsonism-dystonia, infantile. Last evaluated: 2024-12-25. Review status: criteria provided, single submitter. Criteria: Invitae Variant Classification Sherloc (09022015). Collection method: clinical testing. Allele origin: germline.